The following is an entry in ClinVar:

NM_004304.5(ALK):c.701_702delinsGA (p.Pro234Arg)

Gene: ALK (ALK receptor tyrosine kinase; minus strand). Cytogenetic location: 2p23.2.
Variant type: Indel.
Coding change: c.701_702delinsGA on transcript NM_004304.5 (MANE Select); coding-DNA positions 701 to 702, CT replaced by GA.
Protein change: p.Pro234Arg; replaces proline 234 with arginine.
Molecular consequence: missense variant.
Genome position (GRCh38, 1-based): chr2:29,717,663-29,717,664, AG replaced by TC on the plus strand (CT replaced by GA on the coding strand, the reverse complement: ALK is on the minus strand). VCF-style: chr2-29717663-AG-TC. GRCh37 (hg19) VCF-style: chr2-29940529-AG-TC.
Other names: short protein forms P234R.
Identifiers: ClinVar variation 1016830 (VCV001016830.7), dbSNP rs1679302255, ClinGen allele CA1241325310.

ClinVar aggregate classification (germline): Uncertain significance (1 of 4 stars; one submission).

Conditions:
Neuroblastoma, susceptibility to, 3. Also called: ALK-Related Neuroblastic Tumor Susceptibility. Identifiers: Orphanet 635, MedGen C2751681, MONDO:0013083, OMIM 613014.

Submission:

Labcorp Genetics (formerly Invitae), Labcorp
Classification: Uncertain significance for Neuroblastoma, susceptibility to, 3. Last evaluated: 2024-02-19. Review status: criteria provided, single submitter. Criteria: Invitae Variant Classification Sherloc (09022015). Collection method: clinical testing. Allele origin: germline.
Comment: This sequence change replaces proline, which is neutral and non-polar, with arginine, which is basic and polar, at codon 234 of the ALK protein (p.Pro234Arg). Information on the frequency of this variant in the gnomAD database is not available, as this variant may be reported differently in the database. This variant has not been reported in the literature in individuals affected with ALK-related conditions. ClinVar contains an entry for this variant (Variation ID: 1016830). An algorithm developed to predict the effect of missense changes on protein structure and function (PolyPhen-2) suggests that this variant is likely to be disruptive. In summary, the available evidence is currently insufficient to determine the role of this variant in disease. Therefore, it has been classified as a Variant of Uncertain Significance.